The following is an entry in ClinVar:

NM_015895.5(GMNN):c.35_38del (p.Ile12fs)

Gene: GMNN (geminin DNA replication inhibitor; plus strand). Cytogenetic location: 6p22.3.
Variant type: Deletion.
Coding change: c.35_38del on transcript NM_015895.5 (MANE Select); coding-DNA positions 35 to 38, 4 bases deleted (TCAA; older notation c.35_38delTCAA).
Protein change: p.Ile12fs; shifts the reading frame from isoleucine 12.
Molecular consequence: frameshift variant.
Genome position (GRCh38, 1-based): chr6:24,777,281-24,777,284, TCAA deleted; deleting any 4 consecutive bases within chr6:24,777,279-24,777,284 gives the same sequence; the c. name uses the placement nearest the transcript's 3' end. VCF-style (leftmost placement, unchanged base first): chr6-24777278-AAATC-A. GRCh37 (hg19) VCF-style: chr6-24777506-AAATC-A.
Other names: c.35_38del, p.Ile12fs (NM_001251989.2, NM_001251990.2, NM_001251991.1); short protein forms I12fs.
Identifiers: ClinVar variation 204000 (VCV000204000.4), dbSNP rs864309487, ClinGen allele CA250415.

ClinVar aggregate classification (germline): Pathogenic. Review status: criteria provided, single submitter (1 of 4 stars). 2 submissions from 2 submitters: Pathogenic (1). 1 of the submissions does not count toward it. Last evaluated 2015-06-17.

Conditions:
Meier-Gorlin syndrome 6. Identifiers: Orphanet 2554, MedGen C4225188, MONDO:0014794, OMIM 616835. Disease mechanism: gain of function.
Meier-Gorlin syndrome (MGORS1). Identifiers: Orphanet 2554, MedGen C1868684, MONDO:0016817. Disease mechanism: gain of function.

Submissions (2):

Baylor Genetics
Classification: Pathogenic for Meier-Gorlin syndrome. Last evaluated: 2015-06-17. Review status: criteria provided, single submitter. Criteria: Submitter's publication. Collection method: research. Allele origin: de novo. Inheritance: Autosomal dominant inheritance. Affected: yes. Study: GMNN.

OMIM
Classification: Pathogenic for MEIER-GORLIN SYNDROME 6. Last evaluated: 2015-12-03. Review status: no assertion criteria provided. Collection method: literature only. Allele origin: germline. Not counted in ClinVar's aggregate classification.

Literature cited by the submitters: PubMed 26637980 (cited by OMIM); PubMed 11477602 (cited by OMIM); PubMed 14973488 (cited by OMIM).